The following is an entry in ClinVar:

NM_014362.4(HIBCH):c.958A>C (p.Lys320Gln)

Gene: HIBCH (3-hydroxyisobutyryl-CoA hydrolase; minus strand). Cytogenetic location: 2q32.2.
Variant type: single nucleotide variant.
Coding change: c.958A>C on transcript NM_014362.4 (MANE Select); coding-DNA position 958, A replaced by C.
Protein change: p.Lys320Gln; replaces lysine 320 with glutamine.
Molecular consequence: missense variant.
Genome position (GRCh38, 1-based): chr2:190,213,009, T>G on the plus strand (A>C on the coding strand, the complement: HIBCH is on the minus strand). VCF-style: chr2-190213009-T-G. GRCh37 (hg19) VCF-style: chr2-191077735-T-G.
Other names: c.958A>C, p.Lys320Gln (NM_198047.3); short protein forms K320Q.
Identifiers: ClinVar variation 4768776 (VCV004768776.1).
Genomic context (GRCh38, chr2:190,213,009, plus strand): 5'-TTCTTACCATACAAGCTTGACTTAGCCGATACTCCATAGTTAGTACTTCTTGCAAGGTCT[T>G]TGAAGACCCCTCCATGAGTTGCCTTAGTGTGATCTTTAGAGATGTTGGAGACATTTTATT-3'
Protein context (NP_055177.2, residues 310-330): TLRQLMEGSS[Lys320Gln]TLQEVLTMEY

ClinVar aggregate classification (germline): Uncertain significance (1 of 4 stars; one submission).

Conditions:
3-hydroxyisobutyryl-CoA hydrolase deficiency. Also called: VALINE METABOLIC DEFECT; Reduced circulating 3-hydroxyisobutyryl-CoA hydrolase activity; Deficiency of 3-hydroxyisobutyryl CoA hydrolase; HIBCH DEFICIENCY; METHACRYLIC ACID TOXICITY; METHACRYLIC ACIDURIA. Identifiers: Orphanet 88639, MedGen C0342738, MONDO:0009603, OMIM 250620, HP:6000215.

gnomAD v4.1: 9 of 1,610,716 alleles (0.00056%); highest among the groups gnomAD compares: Non-Finnish European, 0.00068%; no homozygotes.

Submission:

Labcorp Genetics (formerly Invitae), Labcorp
Classification: Uncertain significance for 3-hydroxyisobutyryl-CoA hydrolase deficiency. Last evaluated: 2025-02-20. Review status: criteria provided, single submitter. Criteria: Invitae Variant Classification Sherloc (09022015). Collection method: clinical testing. Allele origin: germline.
Comment: This sequence change replaces lysine, which is basic and polar, with glutamine, which is neutral and polar, at codon 320 of the HIBCH protein (p.Lys320Gln). This variant is present in population databases (rs750514913, gnomAD 0.004%). This variant has not been reported in the literature in individuals affected with HIBCH-related conditions. Invitae Evidence Modeling of protein sequence and biophysical properties (such as structural, functional, and spatial information, amino acid conservation, physicochemical variation, residue mobility, and thermodynamic stability) indicates that this missense variant is not expected to disrupt HIBCH protein function with a negative predictive value of 80%. In summary, the available evidence is currently insufficient to determine the role of this variant in disease. Therefore, it has been classified as a Variant of Uncertain Significance.